The following is an entry in ClinVar:

ClinVar aggregate classification (germline): Uncertain significance (1 of 4 stars; one submission).

Submission:

Labcorp Genetics (formerly Invitae), Labcorp
Classification: Uncertain significance. Last evaluated: 2023-09-30. Review status: criteria provided, single submitter. Criteria: Invitae Variant Classification Sherloc (09022015). Collection method: clinical testing. Allele origin: unknown.
Comment: A copy number gain of the genomic region encompassing the full coding sequence of the VAV1 gene has been identified. The boundaries of this event are unknown as they extend beyond the assayed region for this gene and therefore may encompass additional genes. As the precise location of this event is unknown, it may be in tandem or it may be located elsewhere in the genome. This variant has not been reported in the literature in individuals affected with VAV1-related conditions. Experimental studies and prediction algorithms are not available or were not evaluated, and the functional significance of this variant is currently unknown. In summary, the available evidence is currently insufficient to determine the role of this variant in disease. Therefore, it has been classified as a Variant of Uncertain Significance.

NC_000019.9:g.(?_6772819)_(6857118_?)dup

Gene: VAV1 (vav guanine nucleotide exchange factor 1; plus strand). Cytogenetic location: 19p13.3.
Variant type: Duplication.
Identifiers: ClinVar variation 3242686 (VCV003242686.1).